The following is an entry in ClinVar:

NM_016507.4(CDK12):c.380A>G (p.Gln127Arg)

Genes: CDK12 (cyclin dependent kinase 12; plus strand), LOC126862553 (CDK7 strongly-dependent group 2 enhancer GRCh37_chr17:37618166-37619365; plus strand). Cytogenetic location: 17q12.
Variant type: single nucleotide variant.
Coding change: c.380A>G on transcript NM_016507.4 (MANE Select); coding-DNA position 380, A replaced by G.
Protein change: p.Gln127Arg; replaces glutamine 127 with arginine.
Molecular consequence: missense variant.
Genome position (GRCh38, 1-based): chr17:39,462,451, A>G. VCF-style: chr17-39462451-A-G. GRCh37 (hg19) VCF-style: chr17-37618704-A-G.
Other names: c.380A>G, p.Gln127Arg (NM_015083.4); short protein forms Q127R.
Identifiers: ClinVar variation 3830685 (VCV003830685.1).

ClinVar aggregate classification (germline): Uncertain significance (1 of 4 stars; one submission).

gnomAD v4.1: 5 of 1,614,138 alleles (0.00031%); highest among the groups gnomAD compares: Middle Eastern, 0.066%; no homozygotes.

Submission:

Ambry Genetics
Classification: Uncertain significance. Last evaluated: 2025-02-19. Review status: criteria provided, single submitter. Criteria: Ambry Variant Classification Scheme 2023. Collection method: clinical testing. Allele origin: germline.
Comment: The p.Q127R variant (also known as c.380A>G), located in coding exon 1 of the CDK12 gene, results from an A to G substitution at nucleotide position 380. The glutamine at codon 127 is replaced by arginine, an amino acid with highly similar properties. This amino acid position is conserved. In addition, this alteration is predicted to be tolerated by in silico analysis. Based on the available evidence, the clinical significance of this variant remains unclear.